The following is an entry in ClinVar:

ClinVar aggregate classification (germline): Uncertain significance (1 of 4 stars; one submission).

gnomAD v4.1: 18 of 1,613,582 alleles (0.0011%); highest among the groups gnomAD compares: Admixed American, 0.01%; no homozygotes.

Submission:

Labcorp Genetics (formerly Invitae), Labcorp
Classification: Uncertain significance. Last evaluated: 2024-10-16. Review status: criteria provided, single submitter. Criteria: Invitae Variant Classification Sherloc (09022015). Collection method: clinical testing. Allele origin: germline.
Comment: This sequence change replaces serine, which is neutral and polar, with arginine, which is basic and polar, at codon 55 of the TNFRSF9 protein (p.Ser55Arg). This variant is present in population databases (rs150479025, gnomAD 0.01%). This variant has not been reported in the literature in individuals affected with TNFRSF9-related conditions. ClinVar contains an entry for this variant (Variation ID: 1523119). An algorithm developed to predict the effect of missense changes on protein structure and function outputs the following: PolyPhen-2: "Benign". The arginine amino acid residue is found in multiple mammalian species, which suggests that this missense change does not adversely affect protein function. In summary, the available evidence is currently insufficient to determine the role of this variant in disease. Therefore, it has been classified as a Variant of Uncertain Significance.

NM_001561.6(TNFRSF9):c.165C>A (p.Ser55Arg)

Gene: TNFRSF9 (TNF receptor superfamily member 9; minus strand). Cytogenetic location: 1p36.23.
Variant type: single nucleotide variant.
Coding change: c.165C>A on transcript NM_001561.6 (MANE Select); coding-DNA position 165, C replaced by A.
Protein change: p.Ser55Arg; replaces serine 55 with arginine.
Molecular consequence: missense variant.
Genome position (GRCh38, 1-based): chr1:7,938,764, G>T on the plus strand (C>A on the coding strand, the complement: TNFRSF9 is on the minus strand). VCF-style: chr1-7938764-G-T. GRCh37 (hg19) VCF-style: chr1-7998824-G-T.
Other names: short protein forms S55R.
Identifiers: ClinVar variation 1523119 (VCV001523119.6), dbSNP rs150479025, ClinGen allele CA569327.